The following is an entry in ClinVar:

NM_001267550.2(TTN):c.86818A>G (p.Thr28940Ala)

Genes: TTN (titin; minus strand), TTN-AS1 (TTN antisense RNA 1; plus strand). Cytogenetic location: 2q31.2.
Variant type: single nucleotide variant.
Coding change: c.86818A>G on transcript NM_001267550.2 (MANE Select); coding-DNA position 86818, A replaced by G.
Protein change: p.Thr28940Ala; replaces threonine 28940 with alanine.
Molecular consequence: missense variant.
Genome position (GRCh38, 1-based): chr2:178,559,314, T>C on the plus strand (A>G on the coding strand, the complement: TTN is on the minus strand). VCF-style: chr2-178559314-T-C. GRCh37 (hg19) VCF-style: chr2-179424041-T-C.
Other names: c.81895A>G, p.Thr27299Ala (NM_001256850.1); c.59623A>G, p.Thr19875Ala (NM_003319.4); c.79114A>G, p.Thr26372Ala (NM_133378.4); c.59998A>G, p.Thr20000Ala (NM_133432.3); c.60199A>G, p.Thr20067Ala (NM_133437.4); short protein forms T27299A, T28940A, T19875A, T20000A, T26372A, T20067A.
Identifiers: ClinVar variation 1750742 (VCV001750742.2), dbSNP rs748476449, ClinGen allele CA1988438.

ClinVar aggregate classification (germline): Uncertain significance (1 of 4 stars; one submission).

Conditions:
Cardiovascular phenotype. Identifiers: MedGen CN230736.

Allele frequency attached by ClinVar (database versions not stated): ExAC 0.00001; gnomAD 0.00001; gnomAD exomes 0.00001; TOPMed 0.00004.
gnomAD v4.1: 9 of 1,585,384 alleles (0.00057%); highest among the groups gnomAD compares: African/African-American, 0.012%; no homozygotes.

Submission:

Ambry Genetics
Classification: Uncertain significance for Cardiovascular phenotype. Last evaluated: 2018-12-03. Review status: criteria provided, single submitter. Criteria: Ambry Variant Classification Scheme 2023. Collection method: clinical testing. Allele origin: germline.
Comment: The p.T19875A variant (also known as c.59623A>G), located in coding exon 153 of the TTN gene, results from an A to G substitution at nucleotide position 59623. The threonine at codon 19875 is replaced by alanine, an amino acid with similar properties. This amino acid position is highly conserved in available vertebrate species. In addition, this alteration is predicted to be tolerated by in silico analysis. Since supporting evidence is limited at this time, the clinical significance of this alteration remains unclear.